The following is an entry in ClinVar:

ClinVar aggregate classification (germline): Benign/Likely benign. Review status: criteria provided, multiple submitters, no conflicts (2 of 4 stars). 7 submissions from 7 submitters: Benign (1); Likely benign (4). 2 of the submissions do not count toward it. Last evaluated 2026-01-26.

Conditions:
MAGI2-related disorder. Also called: MAGI2-related condition.
Nephrotic syndrome 15. Identifiers: MedGen C4539896, MONDO:0033262, OMIM 617609.

Allele frequency attached by ClinVar (database versions not stated): gnomAD exomes 0.00020 and 0.00052; ExAC 0.00059; ESP Exome Variant Server 0.00215; TOPMed 0.00215; gnomAD 0.00216 and 0.00217; 1000 Genomes Project 30x 0.00406; 1000 Genomes Project 0.00439.
gnomAD v4.1: 659 of 1,614,192 alleles (0.041%); highest among the groups gnomAD compares: African/African-American, 0.74%; 10 homozygotes.

Submissions (7):

Labcorp Genetics (formerly Invitae), Labcorp
Classification: Benign. Last evaluated: 2026-01-26. Review status: criteria provided, single submitter. Criteria: Invitae Variant Classification Sherloc (09022015). Collection method: clinical testing. Allele origin: germline.

Blueprint Genetics
Classification: Likely benign. Last evaluated: 2024-07-19. Review status: criteria provided, single submitter. Criteria: ACMG Guidelines, 2015. Collection method: clinical testing. Allele origin: germline.

CeGaT Center for Human Genetics Tuebingen
Classification: Likely benign. Last evaluated: 2023-12-01. Review status: criteria provided, single submitter. Criteria: CeGaT Center For Human Genetics Tuebingen Variant Classification Criteria Version 2. Collection method: clinical testing. Allele origin: germline. Affected: yes. Observed: 1 variant allele.
Comment: MAGI2: BP4, BP7, BS2

Fulgent Genetics
Classification: Likely benign for Nephrotic syndrome 15. Last evaluated: 2021-10-20. Review status: criteria provided, single submitter. Criteria: ACMG Guidelines, 2015. Collection method: clinical testing. Allele origin: unknown.

Eurofins Ntd Llc (ga)
Classification: Likely benign. Last evaluated: 2015-05-28. Review status: criteria provided, single submitter. Criteria: EGL Classification Definitions 2015. Collection method: clinical testing. Allele origin: germline. Observed: 1 variant allele, 1 heterozygote.

PreventionGenetics, part of Exact Sciences
Classification: Likely benign for MAGI2-related condition. Last evaluated: 2019-12-16. Review status: no assertion criteria provided. Collection method: clinical testing. Allele origin: germline. Not counted in ClinVar's aggregate classification.
Comment: This variant is classified as likely benign based on ACMG/AMP sequence variant interpretation guidelines (Richards et al. 2015 PMID: 25741868, with internal and published modifications).

Genetic Services Laboratory, University of Chicago
Classification: Likely benign for AllHighlyPenetrant. Review status: no assertion criteria provided. Collection method: clinical testing. Allele origin: germline. Inheritance: Autosomal dominant inheritance. Not counted in ClinVar's aggregate classification.
Comment: Likely benign based on allele frequency in 1000 Genomes Project or ESP global frequency and its presence in a patient with a rare or unrelated disease phenotype. NOT Sanger confirmed.

NM_012301.4(MAGI2):c.900A>G (p.Glu300=)

Gene: MAGI2 (membrane associated guanylate kinase, WW and PDZ domain containing 2; minus strand). Cytogenetic location: 7q21.11.
Variant type: single nucleotide variant.
Coding change: c.900A>G on transcript NM_012301.4 (MANE Select); coding-DNA position 900, A replaced by G.
Protein change: p.Glu300=; no amino-acid change (glutamic acid 300 retained).
Molecular consequence: synonymous variant.
Genome position (GRCh38, 1-based): chr7:78,501,642, T>C on the plus strand (A>G on the coding strand, the complement: MAGI2 is on the minus strand). VCF-style: chr7-78501642-T-C. GRCh37 (hg19) VCF-style: chr7-78130959-T-C.
Other names: c.900A>G, p.Glu300= (NM_001301128.2).
Identifiers: ClinVar variation 129567 (VCV000129567.43), dbSNP rs111635934, ClinGen allele CA153646.